The following is an entry in ClinVar:

NM_152743.4(BRAT1):c.1492del (p.Leu498fs)

Gene: BRAT1 (BRCA1 associated ATM activator 1; minus strand). Cytogenetic location: 7p22.3.
Variant type: Deletion.
Coding change: c.1492del on transcript NM_152743.4 (MANE Select); coding-DNA position 1492, one base deleted (C; older notation c.1492delC).
Protein change: p.Leu498fs; shifts the reading frame from leucine 498.
Molecular consequence: frameshift variant. On other transcripts: non-coding transcript variant (1).
Genome position (GRCh38, 1-based): chr7:2,539,792, G deleted on the plus strand (C on the coding strand, the reverse complement: BRAT1 is on the minus strand); the first of 2 consecutive G bases (chr7:2,539,792-2,539,793); deleting either gives the same sequence. VCF-style (leftmost placement, unchanged base first): chr7-2539791-AG-A. GRCh37 (hg19) VCF-style: chr7-2579425-AG-A.
Other names: c.1492del, p.Leu498fs (NM_001350626.2); c.967del, p.Leu323fs (NM_001350627.2); short protein forms L498fs, L323fs.
Identifiers: ClinVar variation 848367 (VCV000848367.7), dbSNP rs1779001773, ClinGen allele CA916082912.

ClinVar aggregate classification (germline): Pathogenic (1 of 4 stars; one submission).

Conditions:
Neonatal-onset encephalopathy with rigidity and seizures. Also called: Lethal neonatal spasticity-epileptic encephalopathy syndrome. Identifiers: Orphanet 435845, MedGen C3281029, MONDO:0013784, OMIM 614498.

Submission:

Labcorp Genetics (formerly Invitae), Labcorp
Classification: Pathogenic for Neonatal-onset encephalopathy with rigidity and seizures. Last evaluated: 2023-08-17. Review status: criteria provided, single submitter. Criteria: Invitae Variant Classification Sherloc (09022015). Collection method: clinical testing. Allele origin: germline.
Comment: For these reasons, this variant has been classified as Pathogenic. ClinVar contains an entry for this variant (Variation ID: 848367). This variant has not been reported in the literature in individuals affected with BRAT1-related conditions. This variant is not present in population databases (gnomAD no frequency). This sequence change creates a premature translational stop signal (p.Leu498Serfs*19) in the BRAT1 gene. It is expected to result in an absent or disrupted protein product. Loss-of-function variants in BRAT1 are known to be pathogenic (PMID: 22279524, 25500575).

Literature cited by the submitters: PubMed 22279524; PubMed 25500575.